The following is an entry in ClinVar:

ClinVar aggregate classification (germline): Uncertain significance (1 of 4 stars; one submission).

Conditions:
Inborn genetic diseases. Identifiers: MedGen C0950123, MeSH D030342.

gnomAD v4.1: 5 of 1,614,206 alleles (0.00031%); highest among the groups gnomAD compares: East Asian, 0.0045%; no homozygotes.

Submission:

Ambry Genetics
Classification: Uncertain significance for Inborn genetic diseases. Last evaluated: 2024-08-10. Review status: criteria provided, single submitter. Criteria: Ambry Variant Classification Scheme 2023. Collection method: clinical testing. Allele origin: germline.
Comment: The p.M370T variant (also known as c.1109T>C), located in coding exon 9 of the EPAS1 gene, results from a T to C substitution at nucleotide position 1109. The methionine at codon 370 is replaced by threonine, an amino acid with similar properties. This amino acid position is conserved. In addition, this alteration is predicted to be tolerated by in silico analysis. Based on the available evidence, the clinical significance of this variant remains unclear.

NM_001430.5(EPAS1):c.1109T>C (p.Met370Thr)

Gene: EPAS1 (endothelial PAS domain protein 1; plus strand). Cytogenetic location: 2p21.
Variant type: single nucleotide variant.
Coding change: c.1109T>C on transcript NM_001430.5 (MANE Select); coding-DNA position 1109, T replaced by C.
Protein change: p.Met370Thr; replaces methionine 370 with threonine.
Molecular consequence: missense variant.
Genome position (GRCh38, 1-based): chr2:46,376,613, T>C. VCF-style: chr2-46376613-T-C. GRCh37 (hg19) VCF-style: chr2-46603752-T-C.
Other names: short protein forms M370T.
Identifiers: ClinVar variation 3508905 (VCV003508905.1).